The following is an entry in ClinVar:

NM_001142800.2(EYS):c.6137G>A (p.Trp2046Ter)

Gene: EYS (EGF-like photoreceptor maintenance factor; minus strand). Cytogenetic location: 6q12.
Variant type: single nucleotide variant.
Coding change: c.6137G>A on transcript NM_001142800.2 (MANE Select); coding-DNA position 6137, G replaced by A.
Protein change: p.Trp2046Ter; replaces tryptophan 2046 with a stop codon.
Molecular consequence: nonsense.
Genome position (GRCh38, 1-based): chr6:64,307,024, C>T on the plus strand (G>A on the coding strand, the complement: EYS is on the minus strand). VCF-style: chr6-64307024-C-T. GRCh37 (hg19) VCF-style: chr6-65016917-C-T.
Other names: c.6137G>A, p.Trp2046Ter (NM_001292009.2); short protein forms W2046*.
Identifiers: ClinVar variation 236448 (VCV000236448.18), dbSNP rs878853350, ClinGen allele CA10581668.
Genomic context (GRCh38, chr6:64,307,024, plus strand): 5'-TTTTACCTGCAATTGTTAATGTGATAGTTTTTCACTGCCTTGGATGGAATGAAAGATCTC[C>T]AGTTATTTATTTCTATAACTTCTATGCAGCCAGTAAAATTCTTGACTGGTACAGGCATCT-3'

ClinVar aggregate classification (germline): Pathogenic. Review status: criteria provided, multiple submitters, no conflicts (2 of 4 stars). 8 submissions from 8 submitters: Pathogenic (6). 2 of the submissions do not count toward it. Last evaluated 2025-06-05.

Conditions:
EYS-related disorder. Also called: EYS-related condition.
Retinal dystrophy. Also called: Inherited retinal dystrophy. Identifiers: Orphanet 71862, MedGen C0854723, MeSH D058499, MONDO:0019118, HP:0000556.
Retinitis pigmentosa (RP). Identifiers: Orphanet 791, MedGen C0035334, MeSH D012174, MONDO:0019200, OMIM 268000. Inheritance: Autosomal dominant, autosomal recessive and X linked inheritance.
Retinitis pigmentosa 25 (RP25). Identifiers: Orphanet 791, MedGen C1864446, MONDO:0011272, OMIM 602772.

Allele frequency attached by ClinVar (database versions not stated): gnomAD below 0.00001 and 0.00001; gnomAD exomes 0.00001.
gnomAD v4.1: 7 of 1,545,990 alleles (0.00045%); highest among the groups gnomAD compares: South Asian, 0.0012%; no homozygotes.

Submissions (8):

Natera, Inc.
Classification: Pathogenic for Retinitis pigmentosa type 25. Last evaluated: 2025-06-05. Review status: criteria provided, single submitter. Criteria: Natera Variant Classification Schema (03/2026). Collection method: clinical testing. Allele origin: germline.
Comment: The c.6137G>A variant in EYS is a nonsense variant predicted to introduce a stop codon at amino acid 2046. This variant is expected to result in nonsense mediated decay, truncation, or a dysfunctional protein product. This variant is rare in the general population with a frequency below the threshold expected for the associated phenotype(s). This variant has been observed in one or more individuals affected with the associated recessive disease, as either homozygous or compound heterozygous with a second variant (PMID: 28418496). Additionally, this variant has been observed to segregate in affected family members (PMID: 28418496). Given the available evidence, this variant is classified as Pathogenic.

First Genomix Gene Laboratory, Genetic Diagnostics Department
Classification: Pathogenic for Retinitis pigmentosa 25. Last evaluated: 2025-03-15. Review status: criteria provided, single submitter. Criteria: ACMG Guidelines, 2015. Collection method: clinical testing. Allele origin: germline. Inheritance: Autosomal recessive inheritance. Affected: no. Observed: 1 variant allele.

Myriad Genetics, Inc.
Classification: Pathogenic for Retinitis pigmentosa 25. Last evaluated: 2024-05-14. Review status: criteria provided, single submitter. Criteria: Myriad Autosomal Dominant, Autosomal Recessive and X-Linked Classification Criteria (2023). Collection method: clinical testing. Allele origin: unknown.
Comment: NM_001142800.1(EYS):c.6137G>A(W2046*) is expected to be pathogenic in the context of retinitis pigmentosa, EYS-related. This variant is predicted to lead to an abnormal or absent protein product due to the creation of a premature termination codon in EYS, a gene where loss-of-function variants are known to be pathogenic. Please note: this variant was assessed in the context of healthy population screening.

Labcorp Genetics (formerly Invitae), Labcorp
Classification: Pathogenic. Last evaluated: 2022-08-20. Review status: criteria provided, single submitter. Criteria: Invitae Variant Classification Sherloc (09022015). Collection method: clinical testing. Allele origin: germline.
Comment: ClinVar contains an entry for this variant (Variation ID: 236448). Algorithms developed to predict the effect of sequence changes on RNA splicing suggest that this variant may disrupt the consensus splice site. For these reasons, this variant has been classified as Pathogenic. This sequence change creates a premature translational stop signal (p.Trp2046*) in the EYS gene. It is expected to result in an absent or disrupted protein product. Loss-of-function variants in EYS are known to be pathogenic (PMID: 18836446, 20333770). This premature translational stop signal has been observed in individual(s) with retinal dystrophy (PMID: 27208204, 28418496). This variant is not present in population databases (gnomAD no frequency).

Blueprint Genetics
Classification: Pathogenic for EYS-related disorders. Last evaluated: 2022-04-13. Review status: criteria provided, single submitter. Criteria: ACMG Guidelines, 2015. Collection method: clinical testing. Allele origin: germline. Affected: yes. Observed: 3 variant alleles.

Broad Center for Mendelian Genomics, Broad Institute of MIT and Harvard
Classification: Pathogenic for Retinitis pigmentosa. Last evaluated: 2021-04-01. Review status: criteria provided, single submitter. Criteria: ACMG Guidelines, 2015. Collection method: curation. Allele origin: germline. Inheritance: Autosomal recessive inheritance. Affected: yes.
Comment: Through a review of available evidence we were able to apply the following criteria: PVS1, PM2, PP1. Based on this evidence we have classified this variant as Pathogenic. If you have any questions about the classification please reach out to the Pierce Lab.

Sharon lab, Hadassah-Hebrew University Medical Center
Classification: Pathogenic for Retinitis pigmentosa. Last evaluated: 2019-06-23. Review status: no assertion criteria provided. Collection method: research. Allele origin: inherited. Affected: yes. Not counted in ClinVar's aggregate classification.

Centre for Genomic Medicine, Manchester, Central Manchester University Hospitals
Classification: Likely pathogenic for Retinal dystrophy. Review status: no assertion criteria provided. Collection method: clinical testing. Allele origin: germline. Affected: yes. Not counted in ClinVar's aggregate classification.

Literature cited by the submitters: PubMed 28418496 (cited by 3 submitters); PubMed 18836446 (cited by Labcorp Genetics (formerly Invitae), Labcorp); PubMed 20333770 (cited by Labcorp Genetics (formerly Invitae), Labcorp); PubMed 27208204 (cited by Labcorp Genetics (formerly Invitae), Labcorp and Broad Center for Mendelian Genomics, Broad Institute of MIT and Harvard); PubMed 34906470 (cited by Broad Center for Mendelian Genomics, Broad Institute of MIT and Harvard); PubMed 28838317 (cited by Broad Center for Mendelian Genomics, Broad Institute of MIT and Harvard); PubMed 31456290 (cited by Broad Center for Mendelian Genomics, Broad Institute of MIT and Harvard).